The following is an entry in ClinVar:

ClinVar aggregate classification (germline): Uncertain significance (1 of 4 stars; one submission).

Allele frequency attached by ClinVar (database versions not stated): ExAC 0.00006.

Submission:

Labcorp Genetics (formerly Invitae), Labcorp
Classification: Uncertain significance. Last evaluated: 2022-07-31. Review status: criteria provided, single submitter. Criteria: Invitae Variant Classification Sherloc (09022015). Collection method: clinical testing. Allele origin: germline.
Comment: This sequence change replaces methionine, which is neutral and non-polar, with valine, which is neutral and non-polar, at codon 138 of the C10orf11 protein (p.Met138Val). This variant is present in population databases (rs767329575, gnomAD 0.03%). This variant has not been reported in the literature in individuals affected with C10orf11-related conditions. Algorithms developed to predict the effect of missense changes on protein structure and function (SIFT, PolyPhen-2, Align-GVGD) all suggest that this variant is likely to be tolerated. In summary, the available evidence is currently insufficient to determine the role of this variant in disease. Therefore, it has been classified as a Variant of Uncertain Significance.

NM_001305581.2(LRMDA):c.496A>G (p.Met166Val)

Gene: LRMDA (leucine rich melanocyte differentiation associated; plus strand). Cytogenetic location: 10q22.3.
Variant type: single nucleotide variant.
Coding change: c.496A>G on transcript NM_001305581.2 (MANE Select); coding-DNA position 496, A replaced by G.
Protein change: p.Met166Val; replaces methionine 166 with valine.
Molecular consequence: missense variant. On other transcripts: non-coding transcript variant (1).
Genome position (GRCh38, 1-based): chr10:76,058,763, A>G. VCF-style: chr10-76058763-A-G. GRCh37 (hg19) VCF-style: chr10-77818521-A-G.
Other names: c.412A>G, p.Met138Val (NM_032024.5); short protein forms M138V, M166V.
Identifiers: ClinVar variation 1927971 (VCV001927971.5), dbSNP rs767329575, ClinGen allele CA5567633.